The following is an entry in ClinVar:

ClinVar aggregate classification (germline): Conflicting classifications of pathogenicity. Review status: criteria provided, conflicting classifications (1 of 4 stars). 2 submissions from 2 submitters: Likely pathogenic (1); Uncertain significance (1). Last evaluated 2019-10-02.

Conditions:
Congenital muscular hypertrophy-cerebral syndrome (CDLS2). Also called: SMC1A-Related Cornelia de Lange Syndrome; Cornelia de Lange syndrome 2. Identifiers: Orphanet 199, MedGen C1802395, MONDO:0010370, OMIM 300590.

Submissions (2):

Labcorp Genetics (formerly Invitae), Labcorp
Classification: Uncertain significance for Congenital muscular hypertrophy-cerebral syndrome. Last evaluated: 2019-10-02. Review status: criteria provided, single submitter. Criteria: Invitae Variant Classification Sherloc (09022015). Collection method: clinical testing. Allele origin: germline.
Comment: This sequence change replaces aspartic acid with glycine at codon 486 of the SMC1A protein (p.Asp486Gly). The aspartic acid residue is highly conserved and there is a moderate physicochemical difference between aspartic acid and glycine. This variant is not present in population databases (ExAC no frequency). This variant has not been reported in the literature in individuals with SMC1A-related conditions. ClinVar contains an entry for this variant (Variation ID: 159941). Algorithms developed to predict the effect of missense changes on protein structure and function are either unavailable or do not agree on the potential impact of this missense change (SIFT: "Deleterious"; PolyPhen-2: "Probably Damaging"; Align-GVGD: "Class C0"). In summary, the available evidence is currently insufficient to determine the role of this variant in disease. Therefore, it has been classified as a Variant of Uncertain Significance.

Genetic Services Laboratory, University of Chicago
Classification: Likely pathogenic for Cornelia de Lange syndrome 2. Last evaluated: 2013-02-08. Review status: criteria provided, single submitter. Criteria: ACMG Guidelines, 2007. Collection method: clinical testing. Allele origin: germline. Inheritance: X-linked inheritance. Affected: yes.

NM_006306.4(SMC1A):c.1457A>G (p.Asp486Gly)

Gene: SMC1A (structural maintenance of chromosomes 1A; minus strand). Cytogenetic location: Xp11.22.
Variant type: single nucleotide variant.
Coding change: c.1457A>G on transcript NM_006306.4 (MANE Select); coding-DNA position 1457, A replaced by G.
Protein change: p.Asp486Gly; replaces aspartic acid 486 with glycine.
Molecular consequence: missense variant.
Genome position (GRCh38, 1-based): chrX:53,409,150, T>C on the plus strand (A>G on the coding strand, the complement: SMC1A is on the minus strand). VCF-style: chrX-53409150-T-C. GRCh37 (hg19) VCF-style: chrX-53436081-T-C.
Other names: c.1391A>G, p.Asp464Gly (NM_001281463.1); short protein forms D486G, D464G.
Identifiers: ClinVar variation 159941 (VCV000159941.16), dbSNP rs587784405, ClinGen allele CA272515.